The following is an entry in ClinVar:

NM_005419.4(STAT2):c.1576G>A (p.Gly526Arg)

Gene: STAT2 (signal transducer and activator of transcription 2; minus strand). Cytogenetic location: 12q13.3.
Variant type: single nucleotide variant.
Coding change: c.1576G>A on transcript NM_005419.4 (MANE Select); coding-DNA position 1576, G replaced by A.
Protein change: p.Gly526Arg; replaces glycine 526 with arginine.
Molecular consequence: missense variant.
Genome position (GRCh38, 1-based): chr12:56,348,924, C>T on the plus strand (G>A on the coding strand, the complement: STAT2 is on the minus strand). VCF-style: chr12-56348924-C-T. GRCh37 (hg19) VCF-style: chr12-56742708-C-T.
Other names: c.1543G>A, p.Gly515Arg (NM_001385110.1); c.1477G>A, p.Gly493Arg (NM_001385111.1); c.1576G>A, p.Gly526Arg (NM_001385113.1); c.1555G>A, p.Gly519Arg (NM_001385114.1); c.1534G>A, p.Gly512Arg (NM_001385115.1); c.1564G>A, p.Gly522Arg (NM_198332.2); short protein forms G493R, G515R, G522R, G519R, G512R, G526R.
Identifiers: ClinVar variation 2137378 (VCV002137378.4), dbSNP rs571666221, ClinGen allele CA237650597.
Genomic context (GRCh38, chr12:56,348,924, plus strand): 5'-GGACAGAGGGACAGAAAAGACTAAGGCTGGGGAAAGGCTGAGAGAAAAGGAAATCTGTAC[C>T]GAACAGCTTGTTTCTCAGCATGCTCAGCTGGTCTGAGTTGAGGCCTCGGCCAACATAGGA-3'
Protein context (NP_005410.1, residues 516-536): QLSMLRNKLF[Gly526Arg]QNCRTEDPLL

ClinVar aggregate classification (germline): Pathogenic (1 of 4 stars; one submission).

Conditions:
Primary immunodeficiency with post-measles-mumps-rubella vaccine viral infection. Also called: Immunodeficiency 44. Identifiers: Orphanet 431166, MedGen C4225260, MONDO:0014715, OMIM 616636.

Allele frequency attached by ClinVar (database versions not stated): gnomAD 0.00001; TOPMed 0.00001.
gnomAD v4.1: 8 of 1,613,048 alleles (0.0005%); highest among the groups gnomAD compares: Admixed American, 0.0033%; no homozygotes.

Submission:

Labcorp Genetics (formerly Invitae), Labcorp
Classification: Pathogenic for Primary immunodeficiency with post-measles-mumps-rubella vaccine viral infection. Last evaluated: 2022-06-13. Review status: criteria provided, single submitter. Criteria: Invitae Variant Classification Sherloc (09022015). Collection method: clinical testing. Allele origin: germline.
Comment: Variants that disrupt the consensus splice site are a relatively common cause of aberrant splicing (PMID: 17576681, 9536098). Studies have shown that this missense change alters mRNA splicing and is expected to lead to the loss of protein expression (PMID: 28087227). Algorithms developed to predict the effect of missense changes on protein structure and function are either unavailable or do not agree on the potential impact of this missense change (SIFT: "Tolerated"; PolyPhen-2: "Probably Damaging"; Align-GVGD: "Class C0"). This missense change has been observed in individual(s) with STAT2 deficiency (PMID: 28087227). In at least one individual the data is consistent with being in trans (on the opposite chromosome) from a pathogenic variant. It has also been observed to segregate with disease in related individuals. The frequency data for this variant in the population databases is considered unreliable, as metrics indicate poor data quality at this position in the gnomAD database. This sequence change replaces glycine, which is neutral and non-polar, with arginine, which is basic and polar, at codon 526 of the STAT2 protein (p.Gly526Arg). This variant also falls at the last nucleotide of exon 17, which is part of the consensus splice site for this exon. For these reasons, this variant has been classified as Pathogenic.

Literature cited by the submitters: PubMed 17576681; PubMed 9536098; PubMed 28087227.